The following is an entry in ClinVar:

ClinVar aggregate classification (germline): Uncertain significance (1 of 4 stars; one submission).

Allele frequency attached by ClinVar (database versions not stated): TOPMed 0.00001.

Submission:

GeneDx
Classification: Uncertain significance. Last evaluated: 2016-11-12. Review status: criteria provided, single submitter. Criteria: GeneDx Variant Classification (06012015). Collection method: clinical testing. Allele origin: germline. Affected: yes.
Comment: This variant is denoted AXIN2 c.-128C>A, and describes a nucleotide substitution 128 base pairs upstream of the AXIN2 ATG translational start site in the 5' untranslated region (UTR). The surrounding sequence, with the base that is substituted in brackets, is GGCC[C/A]TGCT. This variant has not, to our knowledge, been published in the literature as pathogenic or benign. AXIN2 c.-128C>A does not appear to affect the start codon or the Kozak translational consensus sequence. The cytosine (C) nucleotide that is altered is conserved in mammals. At this time, we consider AXIN2 c.-128C>A to be a variant of uncertain significance.

NM_004655.4(AXIN2):c.-128C>A

Gene: AXIN2 (axin 2; minus strand). Cytogenetic location: 17q24.1.
Variant type: single nucleotide variant.
Coding change: c.-128C>A on transcript NM_004655.4 (MANE Select); 128 bases upstream of the start codon, C replaced by A.
Molecular consequence: 5 prime UTR variant.
Genome position (GRCh38, 1-based): chr17:65,561,461, G>T on the plus strand (C>A on the coding strand, the complement: AXIN2 is on the minus strand). VCF-style: chr17-65561461-G-T. GRCh37 (hg19) VCF-style: chr17-63557579-G-T.
Other names: c.-128C>A (LRG_296t1, NM_001363813.1).
Identifiers: ClinVar variation 234591 (VCV000234591.2), dbSNP rs876661104, ClinGen allele CA10577576.
Genomic context (GRCh38, chr17:65,561,461, plus strand): 5'-GGGGGCTTTCTTTGAAGCGGCTCCGCTGGGGCCGAGCTTCCACCCCCACCTTTTACAGCA[G>T]GGCCTTCGGCGGGCGCCTCGGCCGCCGGGCGGCCCCGAAATCCATCGCTCTGAGGGGTTA-3'